The following is an entry in ClinVar:

ClinVar aggregate classification (germline): Pathogenic/Likely pathogenic. Review status: criteria provided, multiple submitters, no conflicts (2 of 4 stars). 5 submissions from 5 submitters: Pathogenic (2); Likely pathogenic (1). 2 of the submissions do not count toward it. Last evaluated 2020-12-08.

Conditions:
COL3A1-related disorder. Also called: COL3A1-related condition.
Familial thoracic aortic aneurysm and aortic dissection (TAAD). Also called: Thoracic aortic aneurysms and dissections. Identifiers: Orphanet 91387, MedGen C4707243, MONDO:0019625.
Ehlers-Danlos syndrome, type 4 (EDSVASC). Also called: Ehlers-Danlos syndrome vascular type; Ehlers Danlos syndrome, ecchymotic type; Ehlers Danlos syndrome, arterial type; Ehlers Danlos syndrome, Sack-Barabas type; Ehlers-Danlos Syndrome Type IV. Identifiers: Orphanet 286, MedGen C0268338, MONDO:0017314, OMIM 130050.

Submissions (5):

Ambry Genetics
Classification: Pathogenic for Familial thoracic aortic aneurysm and aortic dissection. Last evaluated: 2020-12-08. Review status: criteria provided, single submitter. Criteria: Ambry Variant Classification Scheme 2023. Collection method: clinical testing. Allele origin: germline.
Comment: The c.582+5G>A intronic pathogenic mutation results from a G to A substitution 5 nucleotides after coding exon 6 in the COL3A1 gene. This mutation has been reported in individuals with vascular Ehlers-Danlos syndrome (vEDS), including one reportedly de novo case (Pepin MG et al. Genet Med, 2014 Dec;16:881-8; Frank M et al. Eur J Hum Genet, 2015 Dec;23:1657-64; Legrand A et al. Genet Med, 2019 07;21:1568-1575). Additional intronic variants predicted to impact this donor site have also been reported in vEDS cohorts, including c.582+2dupT, c.582+5G>A, c.582+6T>A, and c.582+6T>C; exon 6 skipping was confirmed for the c.582+6T>C variant (Pepin MG et al. Genet Med, 2014 Dec;16:881-8; Lloyd J et al. J Med Genet, 1993 May;30:376-80). This variant was not reported in population-based cohorts in the Genome Aggregation Database (gnomAD). In silico splice site analysis predicts that this alteration will weaken the native splice donor site. Based on the supporting evidence, this alteration is interpreted as a disease-causing mutation.

Blueprint Genetics
Classification: Pathogenic for COL3A1-related disorders. Last evaluated: 2018-09-26. Review status: criteria provided, single submitter. Criteria: ACMG Guidelines, 2015. Collection method: clinical testing. Allele origin: germline. Affected: yes. Observed: 1 variant allele.

Labcorp Genetics (formerly Invitae), Labcorp
Classification: Likely pathogenic for Ehlers-Danlos syndrome, type 4. Last evaluated: 2018-08-17. Review status: criteria provided, single submitter. Criteria: Invitae Variant Classification Sherloc (09022015). Collection method: clinical testing. Allele origin: germline.
Comment: This variant is not present in population databases (ExAC no frequency). This variant has been observed in several individuals affected with Ehlers-Danlos syndrome, vascular type (PMID: 24922459, 25758994, Invitae). ClinVar contains an entry for this variant (Variation ID: 101425). Nucleotide substitutions within the consensus splice site are a relatively common cause of aberrant splicing (PMID: 17576681, 9536098). Algorithms developed to predict the effect of sequence changes on RNA splicing suggest that this variant may disrupt the consensus splice site, but this prediction has not been confirmed by published transcriptional studies. In summary, the currently available evidence indicates that the variant is pathogenic, but additional data are needed to prove that conclusively. Therefore, this variant has been classified as Likely Pathogenic. This sequence change falls in intron 6 of the COL3A1 gene. It does not directly change the encoded amino acid sequence of the COL3A1 protein, but it affects a nucleotide within the consensus splice site of the intron.

OMIM
Classification: Pathogenic for EHLERS-DANLOS SYNDROME, VASCULAR TYPE, VARIANT. Last evaluated: 2000-08-03. Review status: no assertion criteria provided. Collection method: literature only. Allele origin: germline. Not counted in ClinVar's aggregate classification.

Collagen Diagnostic Laboratory, University of Washington
Classification: Pathogenic for Ehlers-Danlos syndrome, type 4. Review status: no assertion criteria provided. Collection method: clinical testing. Allele origin: germline. Affected: yes. Not counted in ClinVar's aggregate classification.

Literature cited by the submitters: PubMed 24922459 (cited by Ambry Genetics and Labcorp Genetics (formerly Invitae), Labcorp); PubMed 25758994 (cited by Ambry Genetics and Labcorp Genetics (formerly Invitae), Labcorp); PubMed 30474650 (cited by Ambry Genetics); PubMed 30919682 (cited by Ambry Genetics); PubMed 17576681 (cited by Labcorp Genetics (formerly Invitae), Labcorp); PubMed 9536098 (cited by Labcorp Genetics (formerly Invitae), Labcorp); PubMed 10928898 (cited by OMIM); Byers, P. H. Personal Communication. 1998. Seattle, Wash. (cited by OMIM).

NM_000090.4(COL3A1):c.582+5G>A

Gene: COL3A1 (collagen type III alpha 1 chain; plus strand). Cytogenetic location: 2q32.2.
Variant type: single nucleotide variant.
Coding change: c.582+5G>A on transcript NM_000090.4 (MANE Select); 5 bases into the intron after coding-DNA position 582, G replaced by A.
Molecular consequence: intron variant.
Genome position (GRCh38, 1-based): chr2:188,988,139, G>A. VCF-style: chr2-188988139-G-A. GRCh37 (hg19) VCF-style: chr2-189852865-G-A.
Other names: IVS8DS, G-A, +5.
Identifiers: ClinVar variation 101425 (VCV000101425.15), dbSNP rs587779671, ClinGen allele CA007049.
Genomic context (GRCh38, chr2:188,988,139, plus strand): 5'-AGGGCCCCCCAGGCCCTCCCGGTCCCCCTGGTACATCTGGTCATCCTGGTTCCCCTGTAA[G>A]TATAGCCATTGGTGGTGTTTTCTTCCTCATTTTTAGAAAAATCAAATTAATATATATTCT-3'